The following is an entry in ClinVar:

NM_152703.5(SAMD9L):c.3886G>A (p.Val1296Ile)

Gene: SAMD9L (sterile alpha motif domain containing 9 like; minus strand). Cytogenetic location: 7q21.2.
Variant type: single nucleotide variant.
Coding change: c.3886G>A on transcript NM_152703.5 (MANE Select); coding-DNA position 3886, G replaced by A.
Protein change: p.Val1296Ile; replaces valine 1296 with isoleucine.
Molecular consequence: missense variant.
Genome position (GRCh38, 1-based): chr7:93,132,086, C>T on the plus strand (G>A on the coding strand, the complement: SAMD9L is on the minus strand). VCF-style: chr7-93132086-C-T. GRCh37 (hg19) VCF-style: chr7-92761399-C-T.
Other names: c.3886G>A (NM_152703.2); c.3886G>A, p.Val1296Ile (NM_001303496.3, NM_001303497.3, NM_001303498.3 and 5 more transcripts); short protein forms V1296I.
Identifiers: ClinVar variation 3006713 (VCV003006713.4), dbSNP rs2535408384, ClinGen allele CA368179255.

ClinVar aggregate classification (germline): Conflicting classifications of pathogenicity. Review status: criteria provided, conflicting classifications (1 of 4 stars). 2 submissions from 2 submitters: Uncertain significance (1); Likely benign (1). Last evaluated 2025-09-26.

Conditions:
Inborn genetic diseases. Identifiers: MedGen C0950123, MeSH D030342.

Submissions (2):

Ambry Genetics
Classification: Likely benign for Inborn genetic diseases. Last evaluated: 2025-09-26. Review status: criteria provided, single submitter. Criteria: Ambry Variant Classification Scheme 2023. Collection method: clinical testing. Allele origin: germline.

Labcorp Genetics (formerly Invitae), Labcorp
Classification: Uncertain significance. Last evaluated: 2024-04-10. Review status: criteria provided, single submitter. Criteria: Invitae Variant Classification Sherloc (09022015). Collection method: clinical testing. Allele origin: germline.
Comment: This sequence change replaces valine, which is neutral and non-polar, with isoleucine, which is neutral and non-polar, at codon 1296 of the SAMD9L protein (p.Val1296Ile). This variant is not present in population databases (gnomAD no frequency). This variant has not been reported in the literature in individuals affected with SAMD9L-related conditions. Advanced modeling of protein sequence and biophysical properties (such as structural, functional, and spatial information, amino acid conservation, physicochemical variation, residue mobility, and thermodynamic stability) performed at Invitae indicates that this missense variant is not expected to disrupt SAMD9L protein function with a negative predictive value of 80%. In summary, the available evidence is currently insufficient to determine the role of this variant in disease. Therefore, it has been classified as a Variant of Uncertain Significance.